The following is an entry in ClinVar:

NM_003201.3(TFAM):c.186A>G (p.Lys62=)

Gene: TFAM (transcription factor A, mitochondrial; plus strand). Cytogenetic location: 10q21.1.
Variant type: single nucleotide variant.
Coding change: c.186A>G on transcript NM_003201.3 (MANE Select); coding-DNA position 186, A replaced by G.
Protein change: p.Lys62=; no amino-acid change (lysine 62 retained).
Molecular consequence: synonymous variant. On other transcripts: non-coding transcript variant (1).
Genome position (GRCh38, 1-based): chr10:58,386,304, A>G. VCF-style: chr10-58386304-A-G. GRCh37 (hg19) VCF-style: chr10-60146064-A-G.
Other names: c.186A>G, p.Lys62= (NM_001270782.2).
Identifiers: ClinVar variation 3034666 (VCV003034666.2), dbSNP rs201757063, ClinGen allele CA5507884.

ClinVar aggregate classification (germline): Likely benign (0 of 4 stars; one submission).

Conditions:
TFAM-related disorder. Also called: TFAM-related condition.

Allele frequency attached by ClinVar (database versions not stated): gnomAD 0.00002; gnomAD exomes 0.00002; TOPMed 0.00004; ExAC 0.00005; 1000 Genomes Project 30x 0.00016; 1000 Genomes Project 0.00020.
gnomAD v4.1: 15 of 1,613,918 alleles (0.00093%); highest among the groups gnomAD compares: Admixed American, 0.025%; no homozygotes.

Submission:

PreventionGenetics, part of Exact Sciences
Classification: Likely benign for TFAM-related condition. Last evaluated: 2019-02-18. Review status: no assertion criteria provided. Collection method: clinical testing. Allele origin: germline.
Comment: This variant is classified as likely benign based on ACMG/AMP sequence variant interpretation guidelines (Richards et al. 2015 PMID: 25741868, with internal and published modifications).